The following is an entry in ClinVar:

NM_002693.3(POLG):c.1626T>C (p.Asp542=)

Gene: POLG (DNA polymerase gamma, catalytic subunit; minus strand). Cytogenetic location: 15q26.1.
Variant type: single nucleotide variant.
Coding change: c.1626T>C on transcript NM_002693.3 (MANE Select); coding-DNA position 1626, T replaced by C.
Protein change: p.Asp542=; no amino-acid change (aspartic acid 542 retained).
Molecular consequence: synonymous variant.
Genome position (GRCh38, 1-based): chr15:89,326,698, A>G on the plus strand (T>C on the coding strand, the complement: POLG is on the minus strand). VCF-style: chr15-89326698-A-G. GRCh37 (hg19) VCF-style: chr15-89869929-A-G.
Other names: p.Asp542=; c.1626T>C, p.Asp542= (NM_001126131.2).
Identifiers: ClinVar variation 593634 (VCV000593634.20), dbSNP rs376576519, ClinGen allele CA274555684.

ClinVar aggregate classification (germline): Conflicting classifications of pathogenicity. Review status: criteria provided, conflicting classifications (1 of 4 stars). 5 submissions from 5 submitters: Uncertain significance (2); Likely benign (3). Last evaluated 2026-01-13.

Conditions:
POLG-related disorder. Also called: POLG-Related Spectrum Disorders; POLG-related condition; POLG-Related Disorders. Identifiers: MedGen C4763519.
Inborn genetic diseases. Identifiers: MedGen C0950123, MeSH D030342.
Progressive sclerosing poliodystrophy (MTDPS4A). Also called: Mitochondrial DNA depletion syndrome 4A (Alpers type); Mitochondrial DNA Depletion Syndrome 4A; Alpers Syndrome; ALPERS DIFFUSE DEGENERATION OF CEREBRAL GRAY MATTER WITH HEPATIC CIRRHOSIS; Alpers-Huttenlocher Syndrome; ALPERS PROGRESSIVE INFANTILE POLIODYSTROPHY. Identifiers: Orphanet 726, MedGen C0205710, MONDO:0008758, OMIM 203700.

Allele frequency attached by ClinVar (database versions not stated): gnomAD exomes 0.00001; gnomAD 0.00002; TOPMed 0.00002; ESP Exome Variant Server 0.00008.
gnomAD v4.1: 21 of 1,613,986 alleles (0.0013%); highest among the groups gnomAD compares: Non-Finnish European, 0.0018%; no homozygotes.

Submissions (5):

Labcorp Genetics (formerly Invitae), Labcorp
Classification: Likely benign for Progressive sclerosing poliodystrophy. Last evaluated: 2026-01-13. Review status: criteria provided, single submitter. Criteria: Invitae Variant Classification Sherloc (09022015). Collection method: clinical testing. Allele origin: germline.

Mayo Clinic Laboratories, Mayo Clinic
Classification: Likely benign. Last evaluated: 2025-05-22. Review status: criteria provided, single submitter. Criteria: ACMG Guidelines, 2015. Collection method: clinical testing. Allele origin: germline. Observed: 1 variant allele.
Comment: BP4, BP7

Illumina Laboratory Services, Illumina
Classification: Uncertain significance for POLG-Related Spectrum Disorders. Last evaluated: 2018-01-13. Review status: criteria provided, single submitter. Criteria: ICSL Variant Classification Criteria 13 December 2019. Collection method: clinical testing. Allele origin: germline.

Ambry Genetics
Classification: Likely benign for Inborn genetic diseases. Last evaluated: 2017-09-20. Review status: criteria provided, single submitter. Criteria: Ambry Variant Classification Scheme 2023. Collection method: clinical testing. Allele origin: germline.

Eurofins Ntd Llc (ga)
Classification: Uncertain significance. Last evaluated: 2017-08-29. Review status: criteria provided, single submitter. Criteria: EGL Classification Definitions 2015. Collection method: clinical testing. Allele origin: germline. Observed: 1 variant allele, 1 heterozygote.